The following is an entry in ClinVar:

NM_000238.4(KCNH2):c.3322C>G (p.Leu1108Val)

Gene: KCNH2 (potassium voltage-gated channel subfamily H member 2; minus strand). Cytogenetic location: 7q36.1.
Variant type: single nucleotide variant.
Coding change: c.3322C>G on transcript NM_000238.4 (MANE Select); coding-DNA position 3322, C replaced by G.
Protein change: p.Leu1108Val; replaces leucine 1108 with valine.
Molecular consequence: missense variant.
Genome position (GRCh38, 1-based): chr7:150,946,885, G>C on the plus strand (C>G on the coding strand, the complement: KCNH2 is on the minus strand). VCF-style: chr7-150946885-G-C. GRCh37 (hg19) VCF-style: chr7-150643973-G-C.
Other names: c.2302C>G, p.Leu768Val (NM_172057.3); c.3322C>G (LRG_288t1); short protein forms L1108V, L768V.
Identifiers: ClinVar variation 67488 (VCV000067488.16), dbSNP rs199473031, ClinGen allele CA008187.

ClinVar aggregate classification (germline): Conflicting classifications of pathogenicity. Review status: criteria provided, conflicting classifications (1 of 4 stars). 6 submissions from 6 submitters: Uncertain significance (4); Likely benign (1). 1 of the submissions does not count toward it. Last evaluated 2024-01-17.

Conditions:
Cardiovascular phenotype. Identifiers: MedGen CN230736.
Cardiac arrhythmia. Also called: Arrhythmia; Cardiac rhythm disease. Identifiers: MedGen C0003811, MONDO:0007263, HP:0011675.
Long QT syndrome (LQTS). Identifiers: MedGen C0023976, MeSH D008133, MONDO:0002442. Disease mechanism: loss of function. Inheritance: Various modes of inheritance.
Long QT syndrome 2 (LQT2). Identifiers: Orphanet 101016, Orphanet 768, MedGen C3150943, MONDO:0013367, OMIM 613688.

Allele frequency attached by ClinVar (database versions not stated): gnomAD below 0.00001 and 0.00001; TOPMed 0.00001; gnomAD exomes 0.00003 and 0.00006; ExAC 0.00006.
gnomAD v4.1: 48 of 1,598,314 alleles (0.003%); highest among the groups gnomAD compares: South Asian, 0.05%; 2 homozygotes.

Submissions (6):

Labcorp Genetics (formerly Invitae), Labcorp
Classification: Uncertain significance for Long QT syndrome. Last evaluated: 2024-01-17. Review status: criteria provided, single submitter. Criteria: Invitae Variant Classification Sherloc (09022015). Collection method: clinical testing. Allele origin: germline.
Comment: This sequence change replaces leucine, which is neutral and non-polar, with valine, which is neutral and non-polar, at codon 1108 of the KCNH2 protein (p.Leu1108Val). This variant is present in population databases (rs199473031, gnomAD 0.05%), and has an allele count higher than expected for a pathogenic variant. This variant has not been reported in the literature in individuals affected with KCNH2-related conditions. ClinVar contains an entry for this variant (Variation ID: 67488). An algorithm developed to predict the effect of missense changes on protein structure and function (PolyPhen-2) suggests that this variant¬†is likely to be tolerated. In summary, the available evidence is currently insufficient to determine the role of this variant in disease. Therefore, it has been classified as a Variant of Uncertain Significance.

Ambry Genetics
Classification: Uncertain significance for Cardiovascular phenotype. Last evaluated: 2021-09-20. Review status: criteria provided, single submitter. Criteria: Ambry Variant Classification Scheme 2023. Collection method: clinical testing. Allele origin: germline.

Color Diagnostics, LLC DBA Color Health
Classification: Likely benign for Arrhythmia. Last evaluated: 2019-10-18. Review status: criteria provided, single submitter. Criteria: ACMG Guidelines, 2015. Collection method: clinical testing. Allele origin: germline.

Illumina Laboratory Services, Illumina
Classification: Uncertain significance for Long QT syndrome 2. Last evaluated: 2018-01-13. Review status: criteria provided, single submitter. Criteria: ICSL Variant Classification Criteria 13 December 2019. Collection method: clinical testing. Allele origin: germline.

Neuberg Centre For Genomic Medicine, NCGM
Classification: Uncertain significance for Long QT syndrome 2. Review status: criteria provided, single submitter. Criteria: ACMG Guidelines, 2015. Collection method: clinical testing. Allele origin: germline. Inheritance: Autosomal dominant inheritance. Affected: yes.
Comment: The missense c.3322C>Gp.Leu1108Val variant in KCNH2 gene has been reported previously in individuals affected with long QT syndrome Koo SH, et al., 2006. The p.Leu1108Val variant has been reported with allele frequency of 0.006% in gnomAD Exomes and is novel not in any individuals in 1000 Genomes. This variant has been reported to the ClinVar database as Likely Benign / Uncertain Significance multiple submissions. The amino acid change p.Leu1108Val in KCNH2 is predicted as conserved by GERP++ and PhyloP across 100 vertebrates. The amino acid Leu at position 1108 is changed to a Val changing protein sequence and it might alter its composition and physico-chemical properties. For these reasons, this variant has been classified as a Variant of Uncertain Significance VUS.

Cardiovascular Biomedical Research Unit, Royal Brompton & Harefield NHS Foundation Trust
No classification provided. Review status: no classification provided. Collection method: literature only. Allele origin: germline. Not counted in ClinVar's aggregate classification.
Comment: This variant has been reported in the following publications (PMID:16487223).

Literature cited by the submitters: PubMed 16487223 (cited by Cardiovascular Biomedical Research Unit, Royal Brompton & Harefield NHS Foundation Trust); PubMed 22581653 (cited by Cardiovascular Biomedical Research Unit, Royal Brompton & Harefield NHS Foundation Trust).